The following is an entry in ClinVar:

NM_032408.4(BAZ1B):c.2115C>T (p.Ser705=)

Gene: BAZ1B (bromodomain adjacent to zinc finger domain 1B; minus strand). Cytogenetic location: 7q11.23.
Variant type: single nucleotide variant.
Coding change: c.2115C>T on transcript NM_032408.4 (MANE Select); coding-DNA position 2115, C replaced by T.
Protein change: p.Ser705=; no amino-acid change (serine 705 retained).
Molecular consequence: synonymous variant.
Genome position (GRCh38, 1-based): chr7:73,477,346, G>A on the plus strand (C>T on the coding strand, the complement: BAZ1B is on the minus strand). VCF-style: chr7-73477346-G-A. GRCh37 (hg19) VCF-style: chr7-72891676-G-A.
Other names: c.2115C>T, p.Ser705= (NM_001370402.1).
Identifiers: ClinVar variation 4986976 (VCV004986976.1).

ClinVar aggregate classification (germline): Likely benign (1 of 4 stars; one submission).

Conditions:
BAZ1B-related disorder. Also called: BAZ1B-related condition.

gnomAD v4.1: 50 of 1,614,066 alleles (0.0031%); highest among the groups gnomAD compares: African/African-American, 0.0053%; no homozygotes.

Submission:

PreventionGenetics, part of Exact Sciences
Classification: Likely benign for BAZ1B-related condition. Last evaluated: 2025-09-02. Review status: criteria provided, single submitter. Criteria: ACMG Guidelines, 2015. Collection method: clinical testing. Allele origin: germline.
Comment: This variant is classified as likely benign based on ACMG/AMP sequence variant interpretation guidelines (Richards et al. 2015 PMID: 25741868, with internal and published modifications).